The following is an entry in ClinVar:

NM_014795.4(ZEB2):c.3578G>C (p.Ser1193Thr)

Gene: ZEB2 (zinc finger E-box binding homeobox 2; minus strand). Cytogenetic location: 2q22.3.
Variant type: single nucleotide variant.
Coding change: c.3578G>C on transcript NM_014795.4 (MANE Select); coding-DNA position 3578, G replaced by C.
Protein change: p.Ser1193Thr; replaces serine 1193 with threonine.
Molecular consequence: missense variant.
Genome position (GRCh38, 1-based): chr2:144,389,518, C>G on the plus strand (G>C on the coding strand, the complement: ZEB2 is on the minus strand). VCF-style: chr2-144389518-C-G. GRCh37 (hg19) VCF-style: chr2-145147085-C-G.
Other names: c.3506G>C, p.Ser1169Thr (NM_001171653.2); short protein forms S1193T, S1169T.
Identifiers: ClinVar variation 2956731 (VCV002956731.3), dbSNP rs2549101566, ClinGen allele CA348698862.

ClinVar aggregate classification (germline): Uncertain significance (1 of 4 stars; one submission).

Conditions:
Mowat-Wilson syndrome (MOWS). Also called: Classic Mowat-Wilson Syndrome. Identifiers: Orphanet 2152, MedGen C1856113, MONDO:0009341, OMIM 235730.

Submission:

Labcorp Genetics (formerly Invitae), Labcorp
Classification: Uncertain significance for Mowat-Wilson syndrome. Last evaluated: 2023-02-04. Review status: criteria provided, single submitter. Criteria: Invitae Variant Classification Sherloc (09022015). Collection method: clinical testing. Allele origin: germline.
Comment: In summary, the available evidence is currently insufficient to determine the role of this variant in disease. Therefore, it has been classified as a Variant of Uncertain Significance. Advanced modeling of protein sequence and biophysical properties (such as structural, functional, and spatial information, amino acid conservation, physicochemical variation, residue mobility, and thermodynamic stability) performed at Invitae indicates that this missense variant is not expected to disrupt ZEB2 protein function. This variant has not been reported in the literature in individuals affected with ZEB2-related conditions. This variant is not present in population databases (gnomAD no frequency). This sequence change replaces serine, which is neutral and polar, with threonine, which is neutral and polar, at codon 1193 of the ZEB2 protein (p.Ser1193Thr).